The following is an entry in ClinVar:

NM_138711.6(PPARG):c.392G>A (p.Gly131Asp)

Gene: PPARG (peroxisome proliferator activated receptor gamma; plus strand). Cytogenetic location: 3p25.2.
Variant type: single nucleotide variant.
Coding change: c.392G>A on transcript NM_138711.6 (MANE Select); coding-DNA position 392, G replaced by A.
Protein change: p.Gly131Asp; replaces glycine 131 with aspartic acid.
Molecular consequence: missense variant. On other transcripts: 5 prime UTR variant (1).
Genome position (GRCh38, 1-based): chr3:12,392,615, G>A. VCF-style: chr3-12392615-G-A. GRCh37 (hg19) VCF-style: chr3-12434114-G-A.
Other names: c.392G>A, p.Gly131Asp (NM_001330615.4, NM_001354666.3, NM_001354667.3 and 6 more transcripts); c.482G>A, p.Gly161Asp (NM_001354668.2, NM_001374265.1, NM_015869.5); c.-36G>A (NM_001354669.2); c.398G>A, p.Gly133Asp (NM_001354670.2, NM_001374266.1); short protein forms G131D, G133D, G161D.
Identifiers: ClinVar variation 5020788 (VCV005020788.1).

ClinVar aggregate classification (germline): Uncertain significance (1 of 4 stars; one submission).

Submission:

Dasa
Classification: Uncertain significance. Last evaluated: 2026-08-03. Review status: criteria provided, single submitter. Criteria: DASA Assertion Criteria. Collection method: clinical testing. Allele origin: germline.
Comment: NM_138711.6(PPARG):c.392G>A (p.Gly131Asp) is a missense variant that results in the substitution of glycine with aspartic acid. This variant is rare in population databases. Computational prediction algorithms are consistent with a deleterious effect. The currently available literature and clinical evidence are not sufficient to establish a definitive association between this variant and the reported condition. Therefore, this variant is classified as a variant of uncertain significance.